The following is an entry in ClinVar:

NC_000012.12:g.121641215G>T

Gene: ORAI1 (ORAI calcium release-activated calcium modulator 1; plus strand). Cytogenetic location: 12q24.31.
Variant type: single nucleotide variant.
Genome position: GRCh38 VCF-style: chr12-121641215-G-T. GRCh37 (hg19) VCF-style: chr12-122079121-G-T.
Other names: c.478G>T, p.Val160Phe (NM_032790.4); short protein forms V160F.
Identifiers: ClinVar variation 1950265 (VCV001950265.5), dbSNP rs1555324100, ClinGen allele CA386983242.
Genomic context (GRCh38, chr12:121,641,215, plus strand): 5'-ATCAGCACCTGCATCCTGCCCAACATCGAGGCGGTGAGCAACGTGCACAATCTCAACTCG[G>T]TCAAGGAGTCCCCCCATGAGCGCATGCACCGCCACATCGAGCTGGCCTGGGCCTTCTCCA-3'

ClinVar aggregate classification (germline): Uncertain significance (1 of 4 stars; one submission).

Conditions:
Combined immunodeficiency due to ORAI1 deficiency. Also called: IMMUNODEFICIENCY 9. Identifiers: Orphanet 169090, Orphanet 317428, MedGen C2748568, MONDO:0013007, OMIM 612782.
Myopathy, tubular aggregate, 2 (TAM2). Identifiers: MedGen C4014557, MONDO:0014383, OMIM 615883.

Submission:

Labcorp Genetics (formerly Invitae), Labcorp
Classification: Uncertain significance for Myopathy, tubular aggregate, 2; Combined immunodeficiency due to ORAI1 deficiency. Last evaluated: 2024-05-22. Review status: criteria provided, single submitter. Criteria: Invitae Variant Classification Sherloc (09022015). Collection method: clinical testing. Allele origin: germline.
Comment: This sequence change replaces valine, which is neutral and non-polar, with phenylalanine, which is neutral and non-polar, at codon 160 of the ORAI1 protein (p.Val160Phe). This variant is not present in population databases (gnomAD no frequency). This variant has not been reported in the literature in individuals affected with ORAI1-related conditions. ClinVar contains an entry for this variant (Variation ID: 1950265). Experimental studies and prediction algorithms are not available or were not evaluated, and the functional significance of this variant is currently unknown. In summary, the available evidence is currently insufficient to determine the role of this variant in disease. Therefore, it has been classified as a Variant of Uncertain Significance.